The following is an entry in ClinVar:

ClinVar aggregate classification (germline): Uncertain significance (1 of 4 stars; one submission).

Conditions:
Neuronopathy, distal hereditary motor, autosomal recessive 4. Also called: NEUROPATHY, DISTAL HEREDITARY MOTOR, AUTOSOMAL RECESSIVE 4; Autosomal recessive lower motor neuron disease with childhood onset. Identifiers: Orphanet 206580, MedGen C1970211, MONDO:0012608, OMIM 611067.
Charcot-Marie-Tooth disease recessive intermediate C. Also called: CHARCOT-MARIE-TOOTH NEUROPATHY, RECESSIVE INTERMEDIATE C. Identifiers: Orphanet 369867, MedGen C3809309, MONDO:0014154, OMIM 615376.

Allele frequency attached by ClinVar (database versions not stated): gnomAD exomes below 0.00001; TOPMed 0.00001.
gnomAD v4.1: 1 of 1,609,780 alleles (0.000062%); highest among the groups gnomAD compares: African/African-American, 0.0013%; no homozygotes.

Submission:

Labcorp Genetics (formerly Invitae), Labcorp
Classification: Uncertain significance for Neuronopathy, distal hereditary motor, autosomal recessive 4; Charcot-Marie-Tooth disease recessive intermediate C. Last evaluated: 2020-08-19. Review status: criteria provided, single submitter. Criteria: Invitae Variant Classification Sherloc (09022015). Collection method: clinical testing. Allele origin: germline.
Comment: This sequence change replaces glutamic acid with glycine at codon 838 of the PLEKHG5 protein (p.Glu838Gly). The glutamic acid residue is moderately conserved and there is a moderate physicochemical difference between glutamic acid and glycine. This variant is not present in population databases (ExAC no frequency). This variant has not been reported in the literature in individuals with PLEKHG5-related conditions. Algorithms developed to predict the effect of missense changes on protein structure and function (SIFT, PolyPhen-2, Align-GVGD) all suggest that this variant is likely to be tolerated, but these predictions have not been confirmed by published functional studies and their clinical significance is uncertain. In summary, the available evidence is currently insufficient to determine the role of this variant in disease. Therefore, it has been classified as a Variant of Uncertain Significance.

NM_020631.6(PLEKHG5):c.2513A>G (p.Glu838Gly)

Gene: PLEKHG5 (pleckstrin homology and RhoGEF domain containing G5; minus strand). Cytogenetic location: 1p36.31.
Variant type: single nucleotide variant.
Coding change: c.2513A>G on transcript NM_020631.6 (MANE Select); coding-DNA position 2513, A replaced by G.
Protein change: p.Glu838Gly; replaces glutamic acid 838 with glycine.
Molecular consequence: missense variant.
Genome position (GRCh38, 1-based): chr1:6,468,323, T>C on the plus strand (A>G on the coding strand, the complement: PLEKHG5 is on the minus strand). VCF-style: chr1-6468323-T-C. GRCh37 (hg19) VCF-style: chr1-6528383-T-C.
Other names: c.2624A>G, p.Glu875Gly (NM_001042663.3, NM_001265592.2); c.2513A>G, p.Glu838Gly (NM_001042664.2, NM_001042665.2, NM_001265594.3 and 1 more transcripts); c.2720A>G, p.Glu907Gly (NM_001265593.2); short protein forms E907G, E838G, E875G.
Identifiers: ClinVar variation 1041397 (VCV001041397.9), dbSNP rs1287801386, ClinGen allele CA338116295.